The following is an entry in ClinVar:

ClinVar aggregate classification (germline): Uncertain significance. Review status: criteria provided, multiple submitters, no conflicts (2 of 4 stars). 4 submissions from 4 submitters: Uncertain significance (4). Last evaluated 2025-11-26.

Conditions:
RYR1-related disorder. Also called: RYR1-related disorders; RYR1-related condition. Identifiers: MedGen CN239331.
Malignant hyperthermia, susceptibility to, 1 (MHS1). Also called: Malignant hyperthermia suceptibility 1; RYR1-Related Malignant Hyperthermia Susceptibility; Anesthesia related hyperthermia; Malignant hyperpyrexia; Fulminating hyperpyrexia; Pharmacogenic myopathy. Identifiers: Orphanet 423, MedGen C2930980, MONDO:0007783, OMIM 145600.

Allele frequency attached by ClinVar (database versions not stated): gnomAD 0.00001; gnomAD exomes 0.00001; TOPMed 0.00002.
gnomAD v4.1: 15 of 1,614,074 alleles (0.00093%); highest among the groups gnomAD compares: Admixed American, 0.0017%; no homozygotes.

Submissions (4):

Labcorp Genetics (formerly Invitae), Labcorp
Classification: Uncertain significance for RYR1-related disorder. Last evaluated: 2025-11-26. Review status: criteria provided, single submitter. Criteria: Invitae Variant Classification Sherloc (09022015). Collection method: clinical testing. Allele origin: germline.
Comment: This sequence change replaces leucine, which is neutral and non-polar, with isoleucine, which is neutral and non-polar, at codon 791 of the RYR1 protein (p.Leu791Ile). This variant is present in population databases (no rsID available, gnomAD 0.003%). This missense change has been observed in individual(s) with tubular aggregate myopathy (PMID: 35666680). ClinVar contains an entry for this variant (Variation ID: 947021). Invitae Evidence Modeling of protein sequence and biophysical properties (such as structural, functional, and spatial information, amino acid conservation, physicochemical variation, residue mobility, and thermodynamic stability) indicates that this missense variant is not expected to disrupt RYR1 protein function with a negative predictive value of 95%. In summary, the available evidence is currently insufficient to determine the role of this variant in disease. Therefore, it has been classified as a Variant of Uncertain Significance.

Revvity Omics, Revvity
Classification: Uncertain significance. Last evaluated: 2025-07-01. Review status: criteria provided, single submitter. Criteria: ACMG Guidelines, 2015. Collection method: clinical testing. Allele origin: germline.

All of Us Research Program, National Institutes of Health
Classification: Uncertain significance for Malignant hyperthermia, susceptibility to, 1. Last evaluated: 2024-09-23. Review status: criteria provided, single submitter. Criteria: ACMG Guidelines, 2015. Collection method: clinical testing. Allele origin: germline. Inheritance: Autosomal dominant inheritance. Observed: 5 variant alleles, 5 heterozygotes.
Comment: This missense variant replaces leucine with isoleucine at codon 791 of the RYR1 protein. Computational prediction suggests that this variant may not impact protein structure and function (internally defined REVEL score threshold <= 0.5, PMID: 27666373). To our knowledge, functional studies have not been reported for this variant. This variant has been reported in an individual affected with myopathy (PMID: 35666680). This variant has been identified in 3/251490 chromosomes in the general population by the Genome Aggregation Database (gnomAD). The available evidence is insufficient to determine the role of this variant in disease conclusively. Therefore, this variant is classified as a Variant of Uncertain Significance.

This study involves interpretation of variants in research participants for the purpose of population health screening. Participant phenotype was not available at the time of variant classification. Additional details can be found in publication PMID: 35346344, PMCID: PMC8962531

Color Diagnostics, LLC DBA Color Health
Classification: Uncertain significance for Malignant hyperthermia, susceptibility to, 1. Last evaluated: 2024-03-28. Review status: criteria provided, single submitter. Criteria: ACMG Guidelines, 2015. Collection method: clinical testing. Allele origin: germline.
Comment: This missense variant replaces leucine with isoleucine at codon 791 of the RYR1 protein. Computational prediction suggests that this variant may not impact protein structure and function. To our knowledge, functional studies have not been reported for this variant. This variant has been reported in an individual affected with myopathy (PMID: 35666680). This variant has been identified in 3/251490 chromosomes in the general population by the Genome Aggregation Database (gnomAD). The available evidence is insufficient to determine the role of this variant in disease conclusively. Therefore, this variant is classified as a Variant of Uncertain Significance.

Literature cited by the submitters: PubMed 35666680 (cited by 3 submitters).

NM_000540.3(RYR1):c.2371C>A (p.Leu791Ile)

Gene: RYR1 (ryanodine receptor 1; plus strand). Cytogenetic location: 19q13.2.
Variant type: single nucleotide variant.
Coding change: c.2371C>A on transcript NM_000540.3 (MANE Select); coding-DNA position 2371, C replaced by A.
Protein change: p.Leu791Ile; replaces leucine 791 with isoleucine.
Molecular consequence: missense variant.
Genome position (GRCh38, 1-based): chr19:38,460,385, C>A. VCF-style: chr19-38460385-C-A. GRCh37 (hg19) VCF-style: chr19-38951025-C-A.
Other names: c.2371C>A, p.Leu791Ile (NM_001042723.2); short protein forms L791I.
Identifiers: ClinVar variation 947021 (VCV000947021.10), dbSNP rs1001953442, ClinGen allele CA308071209.